The following is an entry in ClinVar:

NM_000465.4(BARD1):c.363A>T (p.Ser121=)

Gene: BARD1 (BRCA1 associated RING domain 1; minus strand). Cytogenetic location: 2q35.
Variant type: single nucleotide variant.
Coding change: c.363A>T on transcript NM_000465.4 (MANE Select); coding-DNA position 363, A replaced by T.
Protein change: p.Ser121=; no amino-acid change (serine 121 retained).
Molecular consequence: synonymous variant. On other transcripts: non-coding transcript variant (1), intron variant (2).
Genome position (GRCh38, 1-based): chr2:214,792,298, T>A on the plus strand (A>T on the coding strand, the complement: BARD1 is on the minus strand). VCF-style: chr2-214792298-T-A. GRCh37 (hg19) VCF-style: chr2-215657022-T-A.
Other names: c.306A>T, p.Ser102= (NM_001282543.2); c.363A>T, p.Ser121= (NM_001282549.2); c.158+17114A>T (NM_001282548.2); c.215+4763A>T (NM_001282545.2).
Identifiers: ClinVar variation 801054 (VCV000801054.11), dbSNP rs1553624704, ClinGen allele CA431141325.

ClinVar aggregate classification (germline): Conflicting classifications of pathogenicity. Review status: criteria provided, conflicting classifications (1 of 4 stars). 3 submissions from 3 submitters: Uncertain significance (2); Likely benign (1). Last evaluated 2025-08-07.

Conditions:
Familial cancer of breast. Also called: hereditary breast carcinoma; BREAST CANCER, FAMILIAL; Hereditary breast cancer. Identifiers: Orphanet 227535, MedGen C0346153, MONDO:0016419, OMIM 114480. Disease mechanism: loss of function.
Hereditary cancer-predisposing syndrome. Also called: Tumor predisposition; Neoplastic Syndromes, Hereditary; Hereditary Cancer Syndrome; Hereditary neoplastic syndrome. Identifiers: Orphanet 140162, MedGen C0027672, MeSH D009386, MONDO:0015356.

gnomAD v4.1: 1 of 1,613,344 alleles (0.000062%); highest among the groups gnomAD compares: Non-Finnish European, 0.000085%; no homozygotes.

Submissions (3):

Labcorp Genetics (formerly Invitae), Labcorp
Classification: Uncertain significance for Familial cancer of breast. Last evaluated: 2025-08-07. Review status: criteria provided, single submitter. Criteria: Invitae Variant Classification Sherloc (09022015). Collection method: clinical testing. Allele origin: germline.
Comment: This sequence change affects codon 121 of the BARD1 mRNA. It is a 'silent' change, meaning that it does not change the encoded amino acid sequence of the BARD1 protein. RNA analysis indicates that this variant induces altered splicing and may result in an absent or altered protein product. This variant is not present in population databases (gnomAD no frequency). This variant has not been reported in the literature in individuals affected with BARD1-related conditions. ClinVar contains an entry for this variant (Variation ID: 801054). Studies have shown that this variant results in skipping of exon 3, and produces a non-functional protein and/or introduces a premature termination codon (internal data). In summary, the available evidence is currently insufficient to determine the role of this variant in disease. Therefore, it has been classified as a Variant of Uncertain Significance.

Ambry Genetics
Classification: Likely benign for Hereditary cancer-predisposing syndrome. Last evaluated: 2019-12-11. Review status: criteria provided, single submitter. Criteria: Ambry Variant Classification Scheme 2023. Collection method: clinical testing. Allele origin: germline.

Quest Diagnostics Nichols Institute San Juan Capistrano
Classification: Uncertain significance. Last evaluated: 2019-03-04. Review status: criteria provided, single submitter. Criteria: Quest Diagnostics criteria. Collection method: clinical testing. Allele origin: germline.